The following is an entry in ClinVar:

ClinVar aggregate classification (germline): Likely pathogenic (1 of 4 stars; one submission).

Conditions:
Hereditary cancer-predisposing syndrome. Also called: Tumor predisposition; Hereditary neoplastic syndrome; Hereditary Cancer Syndrome; Neoplastic Syndromes, Hereditary. Identifiers: Orphanet 140162, MedGen C0027672, MeSH D009386, MONDO:0015356.

Submission:

Ambry Genetics
Classification: Likely pathogenic for Hereditary cancer-predisposing syndrome. Last evaluated: 2023-10-13. Review status: criteria provided, single submitter. Criteria: Ambry Variant Classification Scheme 2023. Collection method: clinical testing. Allele origin: germline.
Comment: The c.1341-7_1342delCTTTCAGTGinsTCATTC variant results from a deletion of 9 nucleotides between positions c.1341-7 and c.1342 and involves the canonical splice acceptor site before coding exon 9 of the MSH3 gene. This variant is considered to be rare based on population cohorts in the Genome Aggregation Database (gnomAD). The canonical splice acceptor site is well conserved in available vertebrate species. In silico splice site analysis predicts that this alteration will result in the creation or strengthening of a novel splice acceptor site; however, the exact impact of this deletion on MSH3 splicing and function is currently unknown. Alterations that disrupt the canonical splice site are expected to cause aberrant splicing, resulting in an abnormal protein or a transcript that is subject to nonsense-mediated mRNA decay. As such, this alteration is classified as likely pathogenic.

NM_002439.5(MSH3):c.1341-7_1342delinsTCATTC

Gene: MSH3 (mutS homolog 3; plus strand). Cytogenetic location: 5q14.1.
Variant type: Indel.
Coding change: c.1341-7_1342delinsTCATTC on transcript NM_002439.5 (MANE Select); 7 bases into the intron before coding-DNA position 1341 through coding-DNA position 1342, CTTTCAGTG replaced by TCATTC.
Molecular consequence: splice acceptor variant.
Genome position (GRCh38, 1-based): chr5:80,725,446-80,725,454, CTTTCAGTG replaced by TCATTC. VCF-style: chr5-80725446-CTTTCAGTG-TCATTC. GRCh37 (hg19) VCF-style: chr5-80021265-CTTTCAGTG-TCATTC.
Identifiers: ClinVar variation 3222233 (VCV003222233.1), dbSNP rs2546752943, ClinGen allele CA2825001443.